The following is an entry in ClinVar:

ClinVar aggregate classification (germline): Benign. Review status: criteria provided, multiple submitters, no conflicts (2 of 4 stars). 5 submissions from 5 submitters: Benign (4). 1 of the submissions does not count toward it. Last evaluated 2026-02-03.

Conditions:
COX20-related disorder. Also called: COX20-related condition.

Allele frequency attached by ClinVar (database versions not stated): gnomAD exomes 0.00614 and 0.01532; ExAC 0.02013; gnomAD 0.06473 and 0.06920; ESP Exome Variant Server 0.07241; TOPMed 0.07326; 1000 Genomes Project 0.07808; 1000 Genomes Project 30x 0.08495.
gnomAD v4.1: 19,062 of 1,595,212 alleles (1.2%); highest among the groups gnomAD compares: African/African-American, 23%; 1,929 homozygotes.

Submissions (18):

Labcorp Genetics (formerly Invitae), Labcorp
Classification: Benign. Last evaluated: 2026-02-03. Review status: criteria provided, single submitter. Criteria: Invitae Variant Classification Sherloc (09022015). Collection method: clinical testing. Allele origin: germline.

Mayo Clinic Laboratories, Mayo Clinic
Classification: Benign. Last evaluated: 2023-04-02. Review status: criteria provided, single submitter. Criteria: ACMG Guidelines, 2015. Collection method: clinical testing. Allele origin: germline. Observed: 41 variant alleles.

GeneDx
Classification: Benign. Last evaluated: 2013-12-13. Review status: criteria provided, single submitter. Criteria: GeneDx Variant Classification (06012015). Collection method: clinical testing. Allele origin: germline. Affected: yes.
Comment: This variant is considered likely benign or benign based on one or more of the following criteria: it is a conservative change, it occurs at a poorly conserved position in the protein, it is predicted to be benign by multiple in silico algorithms, and/or has population frequency not consistent with disease.

Breakthrough Genomics
Classification: Benign. Review status: criteria provided, single submitter. Criteria: ACMG Guidelines, 2015. Collection method: not provided. Allele origin: germline. Inheritance: Autosomal recessive inheritance. Affected: yes.

PreventionGenetics, part of Exact Sciences
Classification: Benign for COX20-related condition. Last evaluated: 2019-12-23. Review status: no assertion criteria provided. Collection method: clinical testing. Allele origin: germline. Not counted in ClinVar's aggregate classification.
Comment: This variant is classified as benign based on ACMG/AMP sequence variant interpretation guidelines (Richards et al. 2015 PMID: 25741868, with internal and published modifications).

Dr. Peter K. Rogan Lab, Western University
No classification provided (evidence only). Condition: Lung cancer. Review status: no classification provided. Collection method: in vitro. Allele origin: not applicable. Functional consequence: retained intron. Not counted in ClinVar's aggregate classification.

Dr. Peter K. Rogan Lab, Western University
No classification provided (evidence only). Condition: Lung cancer. Review status: no classification provided. Collection method: in vitro. Allele origin: not applicable. Functional consequence: retained intron. Not counted in ClinVar's aggregate classification.

Dr. Peter K. Rogan Lab, Western University
No classification provided (evidence only). Condition: Colon adenocarcinoma. Review status: no classification provided. Collection method: in vitro. Allele origin: not applicable. Functional consequence: retained intron. Not counted in ClinVar's aggregate classification.

Dr. Peter K. Rogan Lab, Western University
No classification provided (evidence only). Condition: Cervical cancer. Review status: no classification provided. Collection method: in vitro. Allele origin: not applicable. Functional consequence: retained intron. Not counted in ClinVar's aggregate classification.

Dr. Peter K. Rogan Lab, Western University
No classification provided (evidence only). Condition: Cervical cancer. Review status: no classification provided. Collection method: in vitro. Allele origin: not applicable. Functional consequence: retained intron. Not counted in ClinVar's aggregate classification.

Dr. Peter K. Rogan Lab, Western University
No classification provided (evidence only). Condition: Cervical cancer. Review status: no classification provided. Collection method: in vitro. Allele origin: not applicable. Functional consequence: retained intron. Not counted in ClinVar's aggregate classification.

Dr. Peter K. Rogan Lab, Western University
No classification provided (evidence only). Condition: Sarcoma. Review status: no classification provided. Collection method: in vitro. Allele origin: not applicable. Functional consequence: retained intron. Not counted in ClinVar's aggregate classification.

Dr. Peter K. Rogan Lab, Western University
No classification provided (evidence only). Condition: Hepatocellular carcinoma. Review status: no classification provided. Collection method: in vitro. Allele origin: not applicable. Functional consequence: retained intron. Not counted in ClinVar's aggregate classification.

Dr. Peter K. Rogan Lab, Western University
No classification provided (evidence only). Condition: Nonpapillary renal cell carcinoma. Review status: no classification provided. Collection method: in vitro. Allele origin: not applicable. Functional consequence: retained intron. Not counted in ClinVar's aggregate classification.

Dr. Peter K. Rogan Lab, Western University
No classification provided (evidence only). Condition: Nonpapillary renal cell carcinoma. Review status: no classification provided. Collection method: in vitro. Allele origin: not applicable. Functional consequence: retained intron. Not counted in ClinVar's aggregate classification.

Dr. Peter K. Rogan Lab, Western University
No classification provided (evidence only). Condition: Thymoma. Review status: no classification provided. Collection method: in vitro. Allele origin: not applicable. Functional consequence: retained intron. Not counted in ClinVar's aggregate classification.

Dr. Peter K. Rogan Lab, Western University
No classification provided (evidence only). Condition: Cholangiocarcinoma. Review status: no classification provided. Collection method: in vitro. Allele origin: not applicable. Functional consequence: retained intron. Not counted in ClinVar's aggregate classification.

Dr. Peter K. Rogan Lab, Western University
No classification provided (evidence only). Condition: Gastric cancer. Review status: no classification provided. Collection method: in vitro. Allele origin: not applicable. Functional consequence: retained intron. Not counted in ClinVar's aggregate classification.

NM_198076.6(COX20):c.318C>T (p.Leu106=)

Genes: COX20 (cytochrome c oxidase assembly factor COX20; plus strand), HNRNPU (heterogeneous nuclear ribonucleoprotein U; minus strand). Cytogenetic location: 1q44.
Variant type: single nucleotide variant.
Coding change: c.318C>T on transcript NM_198076.6 (MANE Select); coding-DNA position 318, C replaced by T.
Protein change: p.Leu106=; no amino-acid change (leucine 106 retained).
Molecular consequence: synonymous variant. On other transcripts: 3 prime UTR variant (1), non-coding transcript variant (3).
Genome position (GRCh38, 1-based): chr1:244,843,137, C>T. VCF-style: chr1-244843137-C-T. GRCh37 (hg19) VCF-style: chr1-245006439-C-T.
Other names: p.L106L:CTC>CTT; p.Leu106=; c.318C>T, p.Leu106= (NM_001312871.1); c.354C>T, p.Leu118= (NM_001312872.1); c.183C>T, p.Leu61= (NM_001312873.1); c.*128C>T (NM_001312874.1); c.318C>T (NM_198076.5).
Identifiers: ClinVar variation 137018 (VCV000137018.15), dbSNP rs1053697, ClinGen allele CA290494.